The following is an entry in ClinVar:

ClinVar aggregate classification (germline): Likely benign. Review status: criteria provided, single submitter (1 of 4 stars). 2 submissions from 2 submitters: Likely benign (1). 1 of the submissions does not count toward it. Last evaluated 2023-09-01.

Conditions:
BRSK2-related disorder. Also called: BRSK2-related condition; BRSK2-Related Disorders.

Allele frequency attached by ClinVar (database versions not stated): gnomAD exomes 0.00007; ESP Exome Variant Server 0.00008; gnomAD 0.00010; 1000 Genomes Project 30x 0.00016; 1000 Genomes Project 0.00020; ExAC 0.00029; TOPMed 0.00030.
gnomAD v4.1: 122 of 1,612,262 alleles (0.0076%); highest among the groups gnomAD compares: Admixed American, 0.13%; no homozygotes.

Submissions (2):

CeGaT Center for Human Genetics Tuebingen
Classification: Likely benign. Last evaluated: 2023-09-01. Review status: criteria provided, single submitter. Criteria: CeGaT Center For Human Genetics Tuebingen Variant Classification Criteria Version 2. Collection method: clinical testing. Allele origin: germline. Affected: yes. Observed: 1 variant allele.
Comment: BRSK2: BP4, BP7

PreventionGenetics, part of Exact Sciences
Classification: Likely benign for BRSK2-related condition. Last evaluated: 2023-01-05. Review status: no assertion criteria provided. Collection method: clinical testing. Allele origin: germline. Not counted in ClinVar's aggregate classification.
Comment: This variant is classified as likely benign based on ACMG/AMP sequence variant interpretation guidelines (Richards et al. 2015 PMID: 25741868, with internal and published modifications).

NM_001256627.2(BRSK2):c.1170C>T (p.Asp390=)

Gene: BRSK2 (BR serine/threonine kinase 2; plus strand). Cytogenetic location: 11p15.5.
Variant type: single nucleotide variant.
Coding change: c.1170C>T on transcript NM_001256627.2 (MANE Select); coding-DNA position 1170, C replaced by T.
Protein change: p.Asp390=; no amino-acid change (aspartic acid 390 retained).
Molecular consequence: synonymous variant. On other transcripts: non-coding transcript variant (1).
Genome position (GRCh38, 1-based): chr11:1,445,851, C>T. VCF-style: chr11-1445851-C-T. GRCh37 (hg19) VCF-style: chr11-1467081-C-T.
Other names: c.1170C>T, p.Asp390= (NM_001256629.2, NM_003957.4); c.1308C>T, p.Asp436= (NM_001256630.1); c.990C>T, p.Asp330= (NM_001282218.2); c.1170C>T (NM_001256627.1).
Identifiers: ClinVar variation 2641328 (VCV002641328.25), dbSNP rs374558064, ClinGen allele CA5810848.